The following is an entry in ClinVar:

ClinVar aggregate classification (germline): Likely pathogenic (0 of 4 stars; one submission).

Conditions:
Breast-ovarian cancer, familial, susceptibility to, 2 (BROVCA2). Also called: BRCA2 Hereditary Breast and Ovarian Cancer. Identifiers: Orphanet 145, MedGen C2675520, MONDO:0012933, OMIM 612555. Disease mechanism: loss of function.

Submission:

deCODE genetics, Amgen
Classification: Likely pathogenic for Breast-ovarian cancer, familial, susceptibility to, 2. Last evaluated: 2023-07-21. Review status: no assertion criteria provided. Collection method: research. Allele origin: germline. Affected: yes. Observed: 1 variant allele.
Comment: The variant NM_000059.4:c.1125del (chr13:32332600) in BRCA2 was detected in 1 heterozygote out of 58K WGS Icelanders (MAF= 0,001%). This variant has not been reported in ClinVar previously. Based on ACMG criteria (PVS1, PM2) this variant classifies as likely pathogenic.

NM_000059.4(BRCA2):c.1125del (p.Phe376fs)

Gene: BRCA2 (BRCA2 DNA repair associated; plus strand). Cytogenetic location: 13q13.1.
Variant type: Deletion.
Coding change: c.1125del on transcript NM_000059.4 (MANE Select); coding-DNA position 1125, one base deleted (C; older notation c.1125delC).
Protein change: p.Phe376fs; shifts the reading frame from phenylalanine 376.
Molecular consequence: frameshift variant.
Genome position (GRCh38, 1-based): chr13:32,332,603, C deleted; the last of 3 consecutive C bases (chr13:32,332,601-32,332,603); deleting any one gives the same sequence. VCF-style (leftmost placement, unchanged base first): chr13-32332600-GC-G. GRCh37 (hg19) VCF-style: chr13-32906737-GC-G.
Other names: short protein forms F376fs.
Identifiers: ClinVar variation 2574053 (VCV002574053.1), dbSNP rs2548519592, ClinGen allele CA2499222074.